The following is an entry in ClinVar:

ClinVar aggregate classification (germline): Uncertain significance (1 of 4 stars; one submission).

Conditions:
Hereditary cancer-predisposing syndrome. Also called: Neoplastic Syndromes, Hereditary; Tumor predisposition; Hereditary neoplastic syndrome; Hereditary Cancer Syndrome. Identifiers: Orphanet 140162, MedGen C0027672, MeSH D009386, MONDO:0015356.

Submission:

Ambry Genetics
Classification: Uncertain significance for Hereditary cancer-predisposing syndrome. Last evaluated: 2023-10-23. Review status: criteria provided, single submitter. Criteria: Ambry Variant Classification Scheme 2023. Collection method: clinical testing. Allele origin: germline.
Comment: The p.S377C variant (also known as c.1129A>T), located in coding exon 11 of the TSC2 gene, results from an A to T substitution at nucleotide position 1129. The serine at codon 377 is replaced by cysteine, an amino acid with dissimilar properties. This amino acid position is conserved. In addition, the in silico prediction for this alteration is inconclusive. Since supporting evidence is limited at this time, the clinical significance of this alteration remains unclear.

NM_000548.5(TSC2):c.1129A>T (p.Ser377Cys)

Gene: TSC2 (TSC complex subunit 2; plus strand). Cytogenetic location: 16p13.3.
Variant type: single nucleotide variant.
Coding change: c.1129A>T on transcript NM_000548.5 (MANE Select); coding-DNA position 1129, A replaced by T.
Protein change: p.Ser377Cys; replaces serine 377 with cysteine.
Molecular consequence: missense variant. On other transcripts: 5 prime UTR variant (10), non-coding transcript variant (5).
Genome position (GRCh38, 1-based): chr16:2,061,880, A>T. VCF-style: chr16-2061880-A-T. GRCh37 (hg19) VCF-style: chr16-2111881-A-T.
Other names: c.1129A>T, p.Ser377Cys (NM_001077183.3, NM_001114382.3, NM_001363528.2 and 6 more transcripts); c.1018A>T, p.Ser340Cys (NM_001318827.2, NM_001406670.1, NM_001406678.1); c.982A>T, p.Ser328Cys (NM_001318829.2, NM_001406675.1, NM_001406676.1 and 1 more transcripts); c.529A>T, p.Ser177Cys (NM_001318831.2, NM_001406680.1, NM_001406682.1 and 6 more transcripts); c.1162A>T, p.Ser388Cys (NM_001318832.2); c.1219A>T, p.Ser407Cys (NM_001406667.1, NM_001406668.1); c.1117A>T, p.Ser373Cys (NM_001406671.1, NM_001406673.1); c.1072A>T, p.Ser358Cys (NM_001406677.1); and 4 more; short protein forms S177C, S223C, S328C, S340C, S358C, S373C, S377C, S388C.
Identifiers: ClinVar variation 3232073 (VCV003232073.1), dbSNP rs2086679931, ClinGen allele CA394319851.